The following is an entry in ClinVar:

ClinVar aggregate classification (germline): Likely pathogenic (1 of 4 stars; one submission).

Allele frequency attached by ClinVar (database versions not stated): gnomAD exomes below 0.00001; ExAC 0.00001; TOPMed 0.00001; gnomAD 0.00002.

Submission:

GeneDx
Classification: Likely pathogenic. Last evaluated: 2023-11-11. Review status: criteria provided, single submitter. Criteria: GeneDx Variant Classification Process June 2021. Collection method: clinical testing. Allele origin: germline. Affected: yes.
Comment: Frameshift variant predicted to result in protein truncation or nonsense mediated decay in a gene for which loss-of-function is a known mechanism of disease; Not observed at a significant frequency in large population cohorts (gnomAD); Has not been previously published as pathogenic or benign to our knowledge

NM_016343.4(CENPF):c.6744dup (p.Gln2249fs)

Gene: CENPF (centromere protein F; plus strand). Cytogenetic location: 1q41.
Variant type: Duplication.
Coding change: c.6744dup on transcript NM_016343.4 (MANE Select); coding-DNA position 6744, one base duplicated (A; older notation c.6744dupA).
Protein change: p.Gln2249fs; shifts the reading frame from glutamine 2249.
Molecular consequence: frameshift variant.
Genome position (GRCh38, 1-based): chr1:214,646,314, A duplicated. VCF-style (leftmost placement, unchanged base first): chr1-214646313-T-TA. GRCh37 (hg19) VCF-style: chr1-214819656-T-TA.
Other names: short protein forms Q2249fs.
Identifiers: ClinVar variation 2662936 (VCV002662936.1), dbSNP rs769251374, ClinGen allele CA1391005.
Genomic context (GRCh38, chr1:214,646,313, plus strand): 5'-AACTAGACAAGTTACTCTCTTCATTTAAAAGTCTGTTAGAAGAAAAGGAGCAAGCAGAGA[T>TA]ACAGATCAAAGAAGAATCTAAAACTGCAGTGGAGATGCTTCAGAATCAGTTAAAGGAGCT-3'